The following is an entry in ClinVar:

ClinVar aggregate classification (germline): Likely benign (1 of 4 stars; one submission).

Allele frequency attached by ClinVar (database versions not stated): 1000 Genomes Project 30x 0.00016; 1000 Genomes Project 0.00020; ExAC 0.00071; gnomAD exomes 0.00095; gnomAD 0.00099; ESP Exome Variant Server 0.00108.
gnomAD v4.1: 1,515 of 1,600,402 alleles (0.095%); highest among the groups gnomAD compares: Non-Finnish European, 0.11%; 110 homozygotes.

Submission:

CeGaT Center for Human Genetics Tuebingen
Classification: Likely benign. Last evaluated: 2022-11-01. Review status: criteria provided, single submitter. Criteria: CeGaT Center For Human Genetics Tuebingen Variant Classification Criteria Version 2. Collection method: clinical testing. Allele origin: germline. Affected: yes. Observed: 1 variant allele.
Comment: PRAMEF4: BP4, BS2

NM_001009611.4(PRAMEF4):c.293+7T>C

Gene: PRAMEF4 (PRAME family member 4; minus strand). Cytogenetic location: 1p36.21.
Variant type: single nucleotide variant.
Coding change: c.293+7T>C on transcript NM_001009611.4 (MANE Select); 7 bases into the intron after coding-DNA position 293, T replaced by C.
Molecular consequence: intron variant.
Genome position (GRCh38, 1-based): chr1:12,883,095, A>G on the plus strand (T>C on the coding strand, the complement: PRAMEF4 is on the minus strand). VCF-style: chr1-12883095-A-G. GRCh37 (hg19) VCF-style: chr1-12942916-A-G.
Identifiers: ClinVar variation 2638277 (VCV002638277.24), dbSNP rs373312346, ClinGen allele CA18150936.